The following is an entry in ClinVar:

NM_001085049.3(MRAS):c.280G>A (p.Val94Ile)

Gene: MRAS (muscle RAS oncogene homolog; plus strand). Cytogenetic location: 3q22.3.
Variant type: single nucleotide variant.
Coding change: c.280G>A on transcript NM_001085049.3 (MANE Select); coding-DNA position 280, G replaced by A.
Protein change: p.Val94Ile; replaces valine 94 with isoleucine.
Molecular consequence: missense variant.
Genome position (GRCh38, 1-based): chr3:138,397,410, G>A. VCF-style: chr3-138397410-G-A. GRCh37 (hg19) VCF-style: chr3-138116252-G-A.
Other names: c.280G>A, p.Val94Ile (NM_001252090.2, NM_012219.4); c.52G>A, p.Val18Ile (NM_001252091.1, NM_001252092.2, NM_001252093.2); short protein forms V18I, V94I.
Identifiers: ClinVar variation 3617650 (VCV003617650.1).
Genomic context (GRCh38, chr3:138,397,410, plus strand): 5'-TTCAGCGCCATGCGGGAGCAATACATGCGCACGGGGGATGGCTTCCTCATCGTCTACTCC[G>A]TCACTGACAAGGCCAGCTTTGAGCACGTGGACCGCTTCCACCAGCTTATCCTGCGCGTCA-3'
Protein context (NP_001078518.1, residues 84-104): TGDGFLIVYS[Val94Ile]TDKASFEHVD

ClinVar aggregate classification (germline): Uncertain significance (1 of 4 stars; one submission).

gnomAD v4.1: 22 of 1,614,150 alleles (0.0014%); highest among the groups gnomAD compares: Non-Finnish European, 0.0019%; no homozygotes.

Submission:

Labcorp Genetics (formerly Invitae), Labcorp
Classification: Uncertain significance. Last evaluated: 2024-10-05. Review status: criteria provided, single submitter. Criteria: Invitae Variant Classification Sherloc (09022015). Collection method: clinical testing. Allele origin: germline.
Comment: This sequence change replaces valine, which is neutral and non-polar, with isoleucine, which is neutral and non-polar, at codon 94 of the MRAS protein (p.Val94Ile). This variant is present in population databases (rs779616242, gnomAD 0.002%). This variant has not been reported in the literature in individuals affected with MRAS-related conditions. An algorithm developed to predict the effect of missense changes on protein structure and function (PolyPhen-2) suggests that this variant is likely to be disruptive. In summary, the available evidence is currently insufficient to determine the role of this variant in disease. Therefore, it has been classified as a Variant of Uncertain Significance.